The following is an entry in ClinVar:

NM_005148.4(UNC119):c.486C>G (p.Ile162Met)

Gene: UNC119 (unc-119 lipid binding chaperone; minus strand). Cytogenetic location: 17q11.2.
Variant type: single nucleotide variant.
Coding change: c.486C>G on transcript NM_005148.4 (MANE Select); coding-DNA position 486, C replaced by G.
Protein change: p.Ile162Met; replaces isoleucine 162 with methionine.
Molecular consequence: missense variant.
Genome position (GRCh38, 1-based): chr17:28,547,801, G>C on the plus strand (C>G on the coding strand, the complement: UNC119 is on the minus strand). VCF-style: chr17-28547801-G-C. GRCh37 (hg19) VCF-style: chr17-26874819-G-C.
Other names: c.201C>G, p.Ile67Met (NM_001330166.2); c.486C>G, p.Ile162Met (NM_054035.2); short protein forms I162M, I67M.
Identifiers: ClinVar variation 1039205 (VCV001039205.3), dbSNP rs781446944, ClinGen allele CA398330818.

ClinVar aggregate classification (germline): Uncertain significance (1 of 4 stars; one submission).

gnomAD v4.1: 4 of 1,614,032 alleles (0.00025%); highest among the groups gnomAD compares: African/African-American, 0.0027%; no homozygotes.

Submission:

Labcorp Genetics (formerly Invitae), Labcorp
Classification: Uncertain significance. Last evaluated: 2020-10-26. Review status: criteria provided, single submitter. Criteria: Invitae Variant Classification Sherloc (09022015). Collection method: clinical testing. Allele origin: germline.
Comment: In summary, the available evidence is currently insufficient to determine the role of this variant in disease. Therefore, it has been classified as a Variant of Uncertain Significance. Algorithms developed to predict the effect of missense changes on protein structure and function are either unavailable or do not agree on the potential impact of this missense change (SIFT: "Not Available"; PolyPhen-2: "Probably Damaging"; Align-GVGD: "Not Available"). This variant has not been reported in the literature in individuals with UNC119-related conditions. This variant is not present in population databases (ExAC no frequency). This sequence change replaces isoleucine with methionine at codon 162 of the UNC119 protein (p.Ile162Met). The isoleucine residue is highly conserved and there is a small physicochemical difference between isoleucine and methionine.